The following is an entry in ClinVar:

ClinVar aggregate classification (germline): Pathogenic (1 of 4 stars; one submission).

Conditions:
Neurofibromatosis, type 1 (NF1). Also called: VON RECKLINGHAUSEN DISEASE; Peripheral type neurofibromatosis; Neurofibromatosis, type I; NEUROFIBROMATOSIS, TYPE I, SOMATIC. Identifiers: Orphanet 636, MedGen C0027831, MONDO:0018975, OMIM 162200. Disease mechanism: loss of function.

Submission:

Labcorp Genetics (formerly Invitae), Labcorp
Classification: Pathogenic for Neurofibromatosis, type 1. Last evaluated: 2022-02-09. Review status: criteria provided, single submitter. Criteria: Invitae Variant Classification Sherloc (09022015). Collection method: clinical testing. Allele origin: germline.
Comment: This sequence change creates a premature translational stop signal (p.Glu1119*) in the NF1 gene. It is expected to result in an absent or disrupted protein product. Loss-of-function variants in NF1 are known to be pathogenic (PMID: 10712197, 23913538). This variant is not present in population databases (gnomAD no frequency). This premature translational stop signal has been observed in individual(s) with clinical features of neurofibromatosis type 1 (PMID: 30014477, 31776437). For these reasons, this variant has been classified as Pathogenic.

Literature cited by the submitters: PubMed 10712197; PubMed 23913538; PubMed 30014477; PubMed 31776437.

NM_001042492.3(NF1):c.3355G>T (p.Glu1119Ter)

Gene: NF1 (neurofibromin 1; plus strand). Cytogenetic location: 17q11.2.
Variant type: single nucleotide variant.
Coding change: c.3355G>T on transcript NM_001042492.3 (MANE Select); coding-DNA position 3355, G replaced by T.
Protein change: p.Glu1119Ter; replaces glutamic acid 1119 with a stop codon.
Molecular consequence: nonsense.
Genome position (GRCh38, 1-based): chr17:31,232,740, G>T. VCF-style: chr17-31232740-G-T. GRCh37 (hg19) VCF-style: chr17-29559758-G-T.
Other names: c.3355G>T, p.Glu1119Ter (NM_000267.4); short protein forms E1119*.
Identifiers: ClinVar variation 1350316 (VCV001350316.6), dbSNP rs2151434532, ClinGen allele CA398989057.